The following is an entry in ClinVar:

NM_001035.3(RYR2):c.3980T>C (p.Leu1327Pro)

Genes: RYR2 (ryanodine receptor 2; plus strand), LOC126806067 (BRD4-independent group 4 enhancer GRCh37_chr1:237753258-237754457; plus strand). Cytogenetic location: 1q43.
Variant type: single nucleotide variant.
Coding change: c.3980T>C on transcript NM_001035.3 (MANE Select); coding-DNA position 3980, T replaced by C.
Protein change: p.Leu1327Pro; replaces leucine 1327 with proline.
Molecular consequence: missense variant.
Genome position (GRCh38, 1-based): chr1:237,590,812, T>C. VCF-style: chr1-237590812-T-C. GRCh37 (hg19) VCF-style: chr1-237754112-T-C.
Other names: short protein forms L1327P.
Identifiers: ClinVar variation 1331860 (VCV001331860.9), dbSNP rs923667966, ClinGen allele CA39803067.

ClinVar aggregate classification (germline): Uncertain significance. Review status: criteria provided, multiple submitters, no conflicts (2 of 4 stars). 2 submissions from 2 submitters: Uncertain significance (2). Last evaluated 2024-03-06.

Conditions:
Cardiomyopathy (CMYO). Also called: Cardiomyopathies. Identifiers: Orphanet 167848, MedGen C0878544, MONDO:0004994, HP:0001638. Inheritance: Various modes of inheritance.
Catecholaminergic polymorphic ventricular tachycardia 1. Also called: VENTRICULAR TACHYCARDIA, CATECHOLAMINERGIC POLYMORPHIC, 1, WITH OR WITHOUT ATRIAL DYSFUNCTION AND/OR DILATED CARDIOMYOPATHY; VENTRICULAR TACHYCARDIA, STRESS-INDUCED POLYMORPHIC 1; RYR2-Related Catecholaminergic Polymorphic Ventricular Tachycardia. Identifiers: Orphanet 3286, MedGen C1631597, MONDO:0011484, OMIM 604772.

Allele frequency attached by ClinVar (database versions not stated): gnomAD exomes below 0.00001; TOPMed 0.00001.

Submissions (2):

Color Diagnostics, LLC DBA Color Health
Classification: Uncertain significance for Cardiomyopathy. Last evaluated: 2024-03-06. Review status: criteria provided, single submitter. Criteria: ACMG Guidelines, 2015. Collection method: clinical testing. Allele origin: germline.
Comment: This missense variant replaces leucine with proline at codon 1327 of the RYR2 protein. Computational prediction suggests that this variant may not impact protein structure and function (internally defined REVEL score threshold <= 0.5, PMID: 27666373). To our knowledge, functional studies have not been reported for this variant. This variant has not been reported in individuals affected with RYR2-related disorders in the literature. This variant has not been identified in the general population by the Genome Aggregation Database (gnomAD). The available evidence is insufficient to determine the role of this variant in disease conclusively. Therefore, this variant is classified as a Variant of Uncertain Significance.

Labcorp Genetics (formerly Invitae), Labcorp
Classification: Uncertain significance for Catecholaminergic polymorphic ventricular tachycardia 1. Last evaluated: 2023-11-17. Review status: criteria provided, single submitter. Criteria: Invitae Variant Classification Sherloc (09022015). Collection method: clinical testing. Allele origin: germline.
Comment: This sequence change replaces leucine, which is neutral and non-polar, with proline, which is neutral and non-polar, at codon 1327 of the RYR2 protein (p.Leu1327Pro). This variant is not present in population databases (gnomAD no frequency). This variant has not been reported in the literature in individuals affected with RYR2-related conditions. ClinVar contains an entry for this variant (Variation ID: 1331860). Advanced modeling of protein sequence and biophysical properties (such as structural, functional, and spatial information, amino acid conservation, physicochemical variation, residue mobility, and thermodynamic stability) performed at Invitae indicates that this missense variant is not expected to disrupt RYR2 protein function with a negative predictive value of 95%. In summary, the available evidence is currently insufficient to determine the role of this variant in disease. Therefore, it has been classified as a Variant of Uncertain Significance.